The following is an entry in ClinVar:

ClinVar aggregate classification (germline): Benign (1 of 4 stars; one submission).

Conditions:
Colorectal cancer, susceptibility to, 1. Also called: COLORECTAL ADENOMA AND CANCER, SUSCEPTIBILITY TO; COLORECTAL CANCER, SUSCEPTIBILITY TO, ON CHROMOSOME 9. Identifiers: MedGen C1837315, MONDO:0012132, OMIM 608812.

Submission:

Myriad Genetics, Inc.
Classification: Benign for Colorectal cancer, susceptibility to, 1. Last evaluated: 2026-04-22. Review status: criteria provided, single submitter. Criteria: Myriad Autosomal Dominant, Autosomal Recessive and X-Linked Classification Criteria (2023). Collection method: clinical testing. Allele origin: unknown.
Comment: This variant is considered benign. This variant is a silent/synonymous amino acid change and it is not expected to impact splicing.

NM_024642.5(GALNT12):c.180G>T (p.Arg60=)

Gene: GALNT12 (polypeptide N-acetylgalactosaminyltransferase 12; plus strand). Cytogenetic location: 9q22.33.
Variant type: single nucleotide variant.
Coding change: c.180G>T on transcript NM_024642.5 (MANE Select); coding-DNA position 180, G replaced by T.
Protein change: p.Arg60=; no amino-acid change (arginine 60 retained).
Molecular consequence: synonymous variant.
Genome position (GRCh38, 1-based): chr9:98,807,878, G>T. VCF-style: chr9-98807878-G-T. GRCh37 (hg19) VCF-style: chr9-101570160-G-T.
Identifiers: ClinVar variation 4875812 (VCV004875812.1).